The following is an entry in ClinVar:

ClinVar aggregate classification (germline): drug response. Review status: reviewed by expert panel (3 of 4 stars). 2 submissions from 2 submitters: drug response (1). 1 of the submissions does not count toward it. Last evaluated 2021-03-24.

Conditions:
warfarin response - Dosage. Identifiers: MedGen CN322729.

Allele frequency attached by ClinVar (database versions not stated): TOPMed 0.38058; 1000 Genomes Project 30x 0.40631; 1000 Genomes Project 0.41633.

Submissions (2):

ClinPGx
Classification: drug response for warfarin response - Dosage. Last evaluated: 2021-03-24. Review status: reviewed by expert panel. Criteria: Pharmacogenomics knowledge for personalized medicine. Collection method: curation. Allele origin: germline. Affected: yes.
Comment: PharmGKB Level of Evidence 2A: Variants in Level 2A clinical annotations are found in PharmGKB’s Tier 1 Very Important Pharmacogenes (VIPs). These variants are in known pharmacogenes, implying causation of drug phenotype is more likely. These clinical annotations describe variant-drug combinations with a moderate level of evidence supporting the association. For example, the association may be found in multiple cohorts, but there may be a minority of studies that do not support the majority assertion. Level 2A clinical annotations must be supported by at least two independent publications.

GeneDx
Classification: Likely benign. Last evaluated: 2018-03-09. Review status: criteria provided, single submitter. Criteria: GeneDx Variant Classification (06012015). Collection method: clinical testing. Allele origin: germline. Affected: yes. Not counted in ClinVar's aggregate classification.
Comment: This variant is considered likely benign or benign based on one or more of the following criteria: it is a conservative change, it occurs at a poorly conserved position in the protein, it is predicted to be benign by multiple in silico algorithms, and/or has population frequency not consistent with disease.

Literature cited by the submitters: PubMed 16270629 (cited by ClinPGx); PubMed 16493479 (cited by ClinPGx); PubMed 16611750 (cited by ClinPGx); PubMed 17456829 (cited by ClinPGx); PubMed 18030307 (cited by ClinPGx); PubMed 18466099 (cited by ClinPGx); PubMed 19874474 (cited by ClinPGx); PubMed 20203262 (cited by ClinPGx); PubMed 24019055 (cited by ClinPGx).

NM_024006.6(VKORC1):c.283+124G>C

Gene: VKORC1 (vitamin K epoxide reductase complex subunit 1; minus strand). Cytogenetic location: 16p11.2.
Variant type: single nucleotide variant.
Coding change: c.283+124G>C on transcript NM_024006.6 (MANE Select); 124 bases into the intron after coding-DNA position 283, G replaced by C.
Molecular consequence: intron variant.
Genome position (GRCh38, 1-based): chr16:31,093,188, C>G on the plus strand (G>C on the coding strand, the complement: VKORC1 is on the minus strand). VCF-style: chr16-31093188-C-G. GRCh37 (hg19) VCF-style: chr16-31104509-C-G.
Other names: c.173+1369G>C (NM_206824.3); c.283+124G>C (NM_001311311.2).
Identifiers: ClinVar variation 226026 (VCV000226026.3), dbSNP rs8050894, ClinGen allele CA10576179.